The following is an entry in ClinVar:

ClinVar aggregate classification (germline): Benign. Review status: criteria provided, multiple submitters, no conflicts (2 of 4 stars). 3 submissions from 3 submitters: Benign (3). Last evaluated 2018-06-18.

Conditions:
Neuronal ceroid lipofuscinosis 1 (CLN1). Also called: CEROID LIPOFUSCINOSIS, NEURONAL, 1, VARIABLE AGE AT ONSET; PPT1-Related Neuronal Ceroid-Lipofuscinosis. Identifiers: Orphanet 228329, MedGen C1850451, MONDO:0009744, OMIM 256730.

Allele frequency attached by ClinVar (database versions not stated): 1000 Genomes Project 30x 0.65272; 1000 Genomes Project 0.66114; TOPMed 0.69325; gnomAD 0.69619 and 0.69809.
gnomAD v4.1: 305,350 of 428,340 alleles (71%); highest among the groups gnomAD compares: Middle Eastern, 75%; 109,584 homozygotes.

Submissions (3):

GeneDx
Classification: Benign. Last evaluated: 2018-06-18. Review status: criteria provided, single submitter. Criteria: GeneDx Variant Classification Process June 2021. Collection method: clinical testing. Allele origin: germline. Affected: yes.

Illumina Laboratory Services, Illumina
Classification: Benign for Neuronal ceroid lipofuscinosis 1. Last evaluated: 2018-01-13. Review status: criteria provided, single submitter. Criteria: ICSL Variant Classification Criteria 13 December 2019. Collection method: clinical testing. Allele origin: germline.
Comment: This variant was observed in the ICSL laboratory as part of a predisposition screen in an ostensibly healthy population. It had not been previously curated by ICSL or reported in the Human Gene Mutation Database (HGMD: prior to June 1st, 2018), and was therefore a candidate for classification through an automated scoring system. Utilizing variant allele frequency, disease prevalence and penetrance estimates, and inheritance mode, an automated score was calculated to assess if this variant is too frequent to cause the disease. Based on the score and internal cut-off values, a variant classified as benign is not then subjected to further curation. The score for this variant resulted in a classification of benign for this disease.

Breakthrough Genomics
Classification: Benign. Review status: criteria provided, single submitter. Criteria: ACMG Guidelines, 2015. Collection method: not provided. Allele origin: germline. Inheritance: Autosomal recessive inheritance. Affected: yes.

NM_000310.4(PPT1):c.*285T>G

Gene: PPT1 (palmitoyl-protein thioesterase 1; minus strand). Cytogenetic location: 1p34.2.
Variant type: single nucleotide variant.
Coding change: c.*285T>G on transcript NM_000310.4 (MANE Select); 285 bases downstream of the stop codon, T replaced by G.
Molecular consequence: 3 prime UTR variant.
Genome position (GRCh38, 1-based): chr1:40,073,776, A>C on the plus strand (T>G on the coding strand, the complement: PPT1 is on the minus strand). VCF-style: chr1-40073776-A-C. GRCh37 (hg19) VCF-style: chr1-40539448-A-C.
Other names: c.*285T>G (NM_001142604.2, NM_001363695.2).
Identifiers: ClinVar variation 297240 (VCV000297240.7), dbSNP rs1126970, ClinGen allele CA10611133.